The following is an entry in ClinVar:

NM_017541.4(CRYGS):c.53G>A (p.Gly18Asp)

Gene: CRYGS (crystallin gamma S; minus strand). Cytogenetic location: 3q27.3.
Variant type: single nucleotide variant.
Coding change: c.53G>A on transcript NM_017541.4 (MANE Select); coding-DNA position 53, G replaced by A.
Protein change: p.Gly18Asp; replaces glycine 18 with aspartic acid.
Molecular consequence: missense variant.
Genome position (GRCh38, 1-based): chr3:186,539,566, C>T on the plus strand (G>A on the coding strand, the complement: CRYGS is on the minus strand). VCF-style: chr3-186539566-C-T. GRCh37 (hg19) VCF-style: chr3-186257355-C-T.
Other names: short protein forms G18D.
Identifiers: ClinVar variation 2734603 (VCV002734603.3), dbSNP rs104893736, ClinGen allele CA355704934.

ClinVar aggregate classification (germline): Pathogenic (1 of 4 stars; one submission).

Conditions:
Cataract 20 multiple types (CTRCT20). Also called: Membranous cataract. Identifiers: Orphanet 91492, MedGen C0524524, MONDO:0007284, OMIM 116100, HP:0010922.

Submission:

Labcorp Genetics (formerly Invitae), Labcorp
Classification: Pathogenic for Cataract 20 multiple types. Last evaluated: 2024-05-09. Review status: criteria provided, single submitter. Criteria: Invitae Variant Classification Sherloc (09022015). Collection method: clinical testing. Allele origin: germline.
Comment: This sequence change replaces glycine, which is neutral and non-polar, with aspartic acid, which is acidic and polar, at codon 18 of the CRYGS protein (p.Gly18Asp). This variant is not present in population databases (gnomAD no frequency). This missense change has been observed in individual(s) with congenital cataracts (PMID: 28450710). It has also been observed to segregate with disease in related individuals. An algorithm developed to predict the effect of missense changes on protein structure and function (PolyPhen-2) suggests that this variant is likely to be disruptive. This variant disrupts the p.Gly18 amino acid residue in CRYGS. Other variant(s) that disrupt this residue have been determined to be pathogenic (PMID: 16141006). This suggests that this residue is clinically significant, and that variants that disrupt this residue are likely to be disease-causing. For these reasons, this variant has been classified as Pathogenic.

Literature cited by the submitters: PubMed 28450710; PubMed 16141006.